The following is an entry in ClinVar:

NM_001563.4(IMPG1):c.2324G>A (p.Ser775Asn)

Gene: IMPG1 (interphotoreceptor matrix proteoglycan 1; minus strand). Cytogenetic location: 6q14.1.
Variant type: single nucleotide variant.
Coding change: c.2324G>A on transcript NM_001563.4 (MANE Select); coding-DNA position 2324, G replaced by A.
Protein change: p.Ser775Asn; replaces serine 775 with asparagine.
Molecular consequence: missense variant.
Genome position (GRCh38, 1-based): chr6:75,922,159, C>T on the plus strand (G>A on the coding strand, the complement: IMPG1 is on the minus strand). VCF-style: chr6-75922159-C-T. GRCh37 (hg19) VCF-style: chr6-76631876-C-T.
Other names: c.2090G>A, p.Ser697Asn (NM_001282368.2); c.2324G>A (NM_001563.2); short protein forms S697N, S775N.
Identifiers: ClinVar variation 1006453 (VCV001006453.9), dbSNP rs762278033, ClinGen allele CA3897854.

ClinVar aggregate classification (germline): Uncertain significance. Review status: criteria provided, multiple submitters, no conflicts (2 of 4 stars). 2 submissions from 2 submitters: Uncertain significance (2). Last evaluated 2024-11-18.

Allele frequency attached by ClinVar (database versions not stated): gnomAD below 0.00001 and 0.00001; gnomAD exomes 0.00006; ExAC 0.00018.
gnomAD v4.1: 19 of 1,303,874 alleles (0.0015%); highest among the groups gnomAD compares: South Asian, 0.02%; 1 homozygote.

Submissions (2):

Labcorp Genetics (formerly Invitae), Labcorp
Classification: Uncertain significance. Last evaluated: 2024-11-18. Review status: criteria provided, single submitter. Criteria: Invitae Variant Classification Sherloc (09022015). Collection method: clinical testing. Allele origin: germline.
Comment: This sequence change replaces serine, which is neutral and polar, with asparagine, which is neutral and polar, at codon 775 of the IMPG1 protein (p.Ser775Asn). This variant is present in population databases (rs762278033, gnomAD 0.04%). This variant has not been reported in the literature in individuals affected with IMPG1-related conditions. ClinVar contains an entry for this variant (Variation ID: 1006453). An algorithm developed to predict the effect of missense changes on protein structure and function (PolyPhen-2) suggests that this variant is likely to be tolerated. In summary, the available evidence is currently insufficient to determine the role of this variant in disease. Therefore, it has been classified as a Variant of Uncertain Significance.

Ambry Genetics
Classification: Uncertain significance. Last evaluated: 2021-08-12. Review status: criteria provided, single submitter. Criteria: Ambry Variant Classification Scheme 2023. Collection method: clinical testing. Allele origin: germline.